The following is an entry in ClinVar:

ClinVar aggregate classification (germline): Uncertain significance. Review status: criteria provided, multiple submitters, no conflicts (2 of 4 stars). 2 submissions from 2 submitters: Uncertain significance (2). Last evaluated 2017-10-16.

Submissions (2):

GeneDx
Classification: Uncertain significance. Last evaluated: 2017-10-16. Review status: criteria provided, single submitter. Criteria: GeneDx Variant Classification (06012015). Collection method: clinical testing. Allele origin: germline. Affected: yes.
Comment: The V643F variant has not been published as a pathogenic variant, nor has it been reported as a benign variant to our knowledge. The V643F variant is not observed in large population cohorts (Lek et al., 2016). This variant is a semi-conservative amino acid substitution, which may impact secondary protein structure as these residues differ in some properties. This substitution occurs at a position that is conserved across species, and in silico analysis predicts this variant is probably damaging to the protein structure/function. However, missense variants in nearby residues have not been reported in the Human Gene Mutation Database in association with PACS1-related disorders (Stenson et al., 2014).

Genetic Services Laboratory, University of Chicago
Classification: Uncertain significance. Last evaluated: 2017-02-22. Review status: criteria provided, single submitter. Criteria: ACMG Guidelines, 2015. Collection method: clinical testing. Allele origin: germline. Affected: no.

NM_018026.4(PACS1):c.1927G>T (p.Val643Phe)

Gene: PACS1 (phosphofurin acidic cluster sorting protein 1; plus strand). Cytogenetic location: 11q13.2.
Variant type: single nucleotide variant.
Coding change: c.1927G>T on transcript NM_018026.4 (MANE Select); coding-DNA position 1927, G replaced by T.
Protein change: p.Val643Phe; replaces valine 643 with phenylalanine.
Molecular consequence: missense variant.
Genome position (GRCh38, 1-based): chr11:66,233,873, G>T. VCF-style: chr11-66233873-G-T. GRCh37 (hg19) VCF-style: chr11-66001344-G-T.
Other names: short protein forms V643F.
Identifiers: ClinVar variation 436134 (VCV000436134.7), dbSNP rs1554993495, ClinGen allele CA381372566.